The following is an entry in ClinVar:

NM_001267550.2(TTN):c.9591A>G (p.Val3197=)

Gene: TTN (titin; minus strand). Cytogenetic location: 2q31.2.
Variant type: single nucleotide variant.
Coding change: c.9591A>G on transcript NM_001267550.2 (MANE Select); coding-DNA position 9591, A replaced by G.
Protein change: p.Val3197=; no amino-acid change (valine 3197 retained).
Molecular consequence: synonymous variant.
Genome position (GRCh38, 1-based): chr2:178,766,493, T>C on the plus strand (A>G on the coding strand, the complement: TTN is on the minus strand). VCF-style: chr2-178766493-T-C. GRCh37 (hg19) VCF-style: chr2-179631220-T-C.
Other names: c.9591A>G, p.Val3197= (NM_001256850.1, NM_133378.4, NM_133379.5); c.9453A>G, p.Val3151= (NM_003319.4, NM_133432.3, NM_133437.4).
Identifiers: ClinVar variation 467680 (VCV000467680.13), dbSNP rs757657812, ClinGen allele CA2004285.

ClinVar aggregate classification (germline): Likely benign. Review status: criteria provided, multiple submitters, no conflicts (2 of 4 stars). 4 submissions from 4 submitters: Likely benign (4). Last evaluated 2026-03-06.

Conditions:
Cardiovascular phenotype. Identifiers: MedGen CN230736.
TTN-related disorder. Also called: TTN-related condition; TTN-related disease; TTN-related disorders.
Autosomal recessive limb-girdle muscular dystrophy type 2J (LGMDR10). Also called: Limb-girdle muscular dystrophy, type 2J; MUSCULAR DYSTROPHY, LIMB-GIRDLE, AUTOSOMAL RECESSIVE 10. Identifiers: Orphanet 140922, MedGen C1837342, MONDO:0012127, OMIM 608807.
Dilated cardiomyopathy 1G (CMD1G). Identifiers: Orphanet 154, MedGen C1858763, MONDO:0011400, OMIM 604145.

Allele frequency attached by ClinVar (database versions not stated): ExAC 0.00001; gnomAD exomes 0.00001 and 0.00002; gnomAD 0.00002; TOPMed 0.00002.
gnomAD v4.1: 11 of 1,613,976 alleles (0.00068%); highest among the groups gnomAD compares: Admixed American, 0.012%; no homozygotes.

Submissions (4):

PreventionGenetics, part of Exact Sciences
Classification: Likely benign for TTN-related condition. Last evaluated: 2026-03-06. Review status: criteria provided, single submitter. Criteria: ACMG Guidelines, 2015. Collection method: clinical testing. Allele origin: germline.
Comment: This variant is classified as likely benign based on ACMG/AMP sequence variant interpretation guidelines (Richards et al. 2015 PMID: 25741868, with internal and published modifications).

Women's Health and Genetics/Laboratory Corporation of America, LabCorp
Classification: Likely benign. Last evaluated: 2025-11-25. Review status: criteria provided, single submitter. Criteria: LabCorp Variant Classification Summary - May 2015. Collection method: clinical testing. Allele origin: germline.

Labcorp Genetics (formerly Invitae), Labcorp
Classification: Likely benign for Dilated cardiomyopathy 1G; Autosomal recessive limb-girdle muscular dystrophy type 2J. Last evaluated: 2025-06-10. Review status: criteria provided, single submitter. Criteria: Invitae Variant Classification Sherloc (09022015). Collection method: clinical testing. Allele origin: germline.

Ambry Genetics
Classification: Likely benign for Cardiovascular phenotype. Last evaluated: 2022-09-26. Review status: criteria provided, single submitter. Criteria: Ambry Variant Classification Scheme 2023. Collection method: clinical testing. Allele origin: germline.